The following is an entry in ClinVar:

NM_006015.6(ARID1A):c.4906C>T (p.Arg1636Trp)

Gene: ARID1A (AT-rich interaction domain 1A; plus strand). Cytogenetic location: 1p36.11.
Variant type: single nucleotide variant.
Coding change: c.4906C>T on transcript NM_006015.6 (MANE Select); coding-DNA position 4906, C replaced by T.
Protein change: p.Arg1636Trp; replaces arginine 1636 with tryptophan.
Molecular consequence: missense variant.
Genome position (GRCh38, 1-based): chr1:26,775,133, C>T. VCF-style: chr1-26775133-C-T. GRCh37 (hg19) VCF-style: chr1-27101624-C-T.
Other names: c.4255C>T, p.Arg1419Trp (NM_139135.4); short protein forms R1419W, R1636W.
Identifiers: ClinVar variation 3624115 (VCV003624115.2).

ClinVar aggregate classification (germline): Uncertain significance (1 of 4 stars; one submission).

gnomAD v4.1: 10 of 1,613,850 alleles (0.00062%); highest among the groups gnomAD compares: Non-Finnish European, 0.00085%; no homozygotes.

Submission:

Labcorp Genetics (formerly Invitae), Labcorp
Classification: Uncertain significance. Last evaluated: 2024-09-08. Review status: criteria provided, single submitter. Criteria: Invitae Variant Classification Sherloc (09022015). Collection method: clinical testing. Allele origin: germline.
Comment: This sequence change replaces arginine, which is basic and polar, with tryptophan, which is neutral and slightly polar, at codon 1636 of the ARID1A protein (p.Arg1636Trp). This variant is not present in population databases (gnomAD no frequency). This variant has not been reported in the literature in individuals affected with ARID1A-related conditions. Invitae Evidence Modeling of protein sequence and biophysical properties (such as structural, functional, and spatial information, amino acid conservation, physicochemical variation, residue mobility, and thermodynamic stability) indicates that this missense variant is not expected to disrupt ARID1A protein function with a negative predictive value of 80%. In summary, the available evidence is currently insufficient to determine the role of this variant in disease. Therefore, it has been classified as a Variant of Uncertain Significance.